The following is an entry in ClinVar:

ClinVar aggregate classification (germline): Conflicting classifications of pathogenicity. Review status: criteria provided, conflicting classifications (1 of 4 stars). 2 submissions from 2 submitters: Uncertain significance (1); Likely benign (1). Last evaluated 2025-11-03.

Allele frequency attached by ClinVar (database versions not stated): 1000 Genomes Project 0.00020; 1000 Genomes Project 30x 0.00031.
gnomAD v4.1: 19 of 1,606,314 alleles (0.0012%); highest among the groups gnomAD compares: East Asian, 0.031%; no homozygotes.

Submissions (2):

Labcorp Genetics (formerly Invitae), Labcorp
Classification: Uncertain significance. Last evaluated: 2025-11-03. Review status: criteria provided, single submitter. Criteria: Invitae Variant Classification Sherloc (09022015). Collection method: clinical testing. Allele origin: germline.
Comment: This sequence change replaces histidine, which is basic and polar, with glutamine, which is neutral and polar, at codon 269 of the TCF3 protein (p.His269Gln). This variant is present in population databases (rs201247443, gnomAD 0.06%). This missense change has been observed in individual(s) with clinical features of autosomal dominant TCF3-related conditions (PMID: 35976539). ClinVar contains an entry for this variant (Variation ID: 1517889). Invitae Evidence Modeling of protein sequence and biophysical properties (such as structural, functional, and spatial information, amino acid conservation, physicochemical variation, residue mobility, and thermodynamic stability) indicates that this missense variant is not expected to disrupt TCF3 protein function with a negative predictive value of 80%. In summary, the available evidence is currently insufficient to determine the role of this variant in disease. Therefore, it has been classified as a Variant of Uncertain Significance.

Blueprint Genetics
Classification: Likely benign. Last evaluated: 2022-11-23. Review status: criteria provided, single submitter. Criteria: ACMG Guidelines, 2015. Collection method: clinical testing. Allele origin: germline.

Literature cited by the submitters: PubMed 35976539 (cited by Labcorp Genetics (formerly Invitae), Labcorp).

NM_003200.5(TCF3):c.807C>G (p.His269Gln)

Gene: TCF3 (transcription factor 3; minus strand). Cytogenetic location: 19p13.3.
Variant type: single nucleotide variant.
Coding change: c.807C>G on transcript NM_003200.5 (MANE Select); coding-DNA position 807, C replaced by G.
Protein change: p.His269Gln; replaces histidine 269 with glutamine.
Molecular consequence: missense variant.
Genome position (GRCh38, 1-based): chr19:1,622,069, G>C on the plus strand (C>G on the coding strand, the complement: TCF3 is on the minus strand). VCF-style: chr19-1622069-G-C. GRCh37 (hg19) VCF-style: chr19-1622068-G-C.
Other names: c.807C>G, p.His269Gln (NM_001351779.2, NM_001136139.4, NM_001351778.2); short protein forms H269Q.
Identifiers: ClinVar variation 1517889 (VCV001517889.7), dbSNP rs201247443, ClinGen allele CA9050228.